The following is an entry in ClinVar:

NM_000089.4(COL1A2):c.3794C>G (p.Ser1265Cys)

Gene: COL1A2 (collagen type I alpha 2 chain; plus strand). Cytogenetic location: 7q21.3.
Variant type: single nucleotide variant.
Coding change: c.3794C>G on transcript NM_000089.4 (MANE Select); coding-DNA position 3794, C replaced by G.
Protein change: p.Ser1265Cys; replaces serine 1265 with cysteine.
Molecular consequence: missense variant.
Genome position (GRCh38, 1-based): chr7:94,429,270, C>G. VCF-style: chr7-94429270-C-G. GRCh37 (hg19) VCF-style: chr7-94058582-C-G.
Other names: short protein forms S1265C.
Identifiers: ClinVar variation 3761524 (VCV003761524.2).
Genomic context (GRCh38, chr7:94,429,270, plus strand): 5'-TGACTTCCAAGGAAATGGCTACCCAACTTGCCTTCATGCGCCTGCTGGCCAACTATGCCT[C>G]TCAGAACATCACCTACCACTGCAAGAACAGCATTGCATACATGGATGAGGAGACTGGCAA-3'
Protein context (NP_000080.2, residues 1255-1275): AFMRLLANYA[Ser1265Cys]QNITYHCKNS

ClinVar aggregate classification (germline): Uncertain significance (1 of 4 stars; one submission).

Conditions:
Ehlers-Danlos syndrome, classic type, 1 (EDSCL1). Also called: EHLERS-DANLOS SYNDROME, GRAVIS TYPE; EHLERS-DANLOS SYNDROME, SEVERE CLASSIC TYPE; Ehlers-Danlos syndrome, type 1; Ehlers-Danlos Syndrome, Classic Type, COL5A1-Related; EDS I. Identifiers: MedGen C0268335, MONDO:0019567, OMIM 130000.
Osteogenesis imperfecta type I (OI1). Also called: OI, TYPE I; OSTEOGENESIS IMPERFECTA TARDA; OSTEOGENESIS IMPERFECTA WITH BLUE SCLERAE; Osteogenesis imperfecta type 1; Lobstein's Disease; Lobstein disease. Identifiers: Orphanet 216796, Orphanet 666, MedGen C0023931, MONDO:0008146, OMIM 166200. Disease mechanism: loss of function.

gnomAD v4.1: 6 of 1,614,072 alleles (0.00037%); highest among the groups gnomAD compares: East Asian, 0.013%; no homozygotes.

Submission:

Labcorp Genetics (formerly Invitae), Labcorp
Classification: Uncertain significance for Osteogenesis imperfecta type I; Ehlers-Danlos syndrome, classic type, 1. Last evaluated: 2024-12-13. Review status: criteria provided, single submitter. Criteria: Invitae Variant Classification Sherloc (09022015). Collection method: clinical testing. Allele origin: germline.
Comment: This sequence change replaces serine, which is neutral and polar, with cysteine, which is neutral and slightly polar, at codon 1265 of the COL1A2 protein (p.Ser1265Cys). This variant is present in population databases (rs757502295, gnomAD 0.02%). This missense change has been observed in individual(s) with osteogenesis imperfecta (PMID: 30715774). Invitae Evidence Modeling of protein sequence and biophysical properties (such as structural, functional, and spatial information, amino acid conservation, physicochemical variation, residue mobility, and thermodynamic stability) has been performed for this missense variant. However, the output from this modeling did not meet the statistical confidence thresholds required to predict the impact of this variant on COL1A2 protein function. In summary, the available evidence is currently insufficient to determine the role of this variant in disease. Therefore, it has been classified as a Variant of Uncertain Significance.

Literature cited by the submitters: PubMed 30715774.